The following is an entry in ClinVar:

ClinVar aggregate classification (germline): Uncertain significance (1 of 4 stars; one submission).

Conditions:
Hereditary cancer-predisposing syndrome. Also called: Neoplastic Syndromes, Hereditary; Tumor predisposition; Hereditary Cancer Syndrome; Hereditary neoplastic syndrome. Identifiers: Orphanet 140162, MedGen C0027672, MeSH D009386, MONDO:0015356.

Submission:

Ambry Genetics
Classification: Uncertain significance for Hereditary cancer-predisposing syndrome. Last evaluated: 2026-02-10. Review status: criteria provided, single submitter. Criteria: Ambry Variant Classification Scheme 2023. Collection method: clinical testing. Allele origin: germline.
Comment: The p.T494A variant (also known as c.1480A>G), located in coding exon 8 of the SMARCA4 gene, results from an A to G substitution at nucleotide position 1480. The threonine at codon 494 is replaced by alanine, an amino acid with similar properties. This amino acid position is well conserved in available vertebrate species. In addition, this alteration is predicted to be tolerated by in silico analysis. Based on the available evidence, the clinical significance of this variant remains unclear.

NM_003072.5(SMARCA4):c.1480A>G (p.Thr494Ala)

Gene: SMARCA4 (SWI/SNF related BAF chromatin remodeling complex subunit ATPase 4; plus strand). Cytogenetic location: 19p13.2.
Variant type: single nucleotide variant.
Coding change: c.1480A>G on transcript NM_003072.5 (MANE Select); coding-DNA position 1480, A replaced by G.
Protein change: p.Thr494Ala; replaces threonine 494 with alanine.
Molecular consequence: missense variant. On other transcripts: non-coding transcript variant (1).
Genome position (GRCh38, 1-based): chr19:10,994,888, A>G. VCF-style: chr19-10994888-A-G. GRCh37 (hg19) VCF-style: chr19-11105564-A-G.
Other names: c.1480A>G, p.Thr494Ala (NM_001128844.3, NM_001128845.2, NM_001128846.2 and 6 more transcripts); short protein forms T494A.
Identifiers: ClinVar variation 4825120 (VCV004825120.1).